The following is an entry in ClinVar:

ClinVar aggregate classification (germline): Uncertain significance (1 of 4 stars; one submission).

Allele frequency attached by ClinVar (database versions not stated): gnomAD exomes below 0.00001.

Submission:

GeneDx
Classification: Uncertain significance. Last evaluated: 2023-03-23. Review status: criteria provided, single submitter. Criteria: GeneDx Variant Classification Process June 2021. Collection method: clinical testing. Allele origin: germline. Affected: yes.
Comment: Not observed at significant frequency in large population cohorts (gnomAD); In silico analysis supports that this missense variant has a deleterious effect on protein structure/function; Has not been previously published as pathogenic or benign to our knowledge

NM_024537.4(CARS2):c.938G>A (p.Gly313Asp)

Gene: CARS2 (cysteinyl-tRNA synthetase 2, mitochondrial; minus strand). Cytogenetic location: 13q34.
Variant type: single nucleotide variant.
Coding change: c.938G>A on transcript NM_024537.4 (MANE Select); coding-DNA position 938, G replaced by A.
Protein change: p.Gly313Asp; replaces glycine 313 with aspartic acid.
Molecular consequence: missense variant. On other transcripts: 3 prime UTR variant (1), non-coding transcript variant (2).
Genome position (GRCh38, 1-based): chr13:110,663,500, C>T on the plus strand (G>A on the coding strand, the complement: CARS2 is on the minus strand). VCF-style: chr13-110663500-C-T. GRCh37 (hg19) VCF-style: chr13-111315847-C-T.
Other names: c.152G>A, p.Gly51Asp (NM_001352252.2); c.*410G>A (NM_001352253.3); short protein forms G313D, G51D.
Identifiers: ClinVar variation 2580695 (VCV002580695.1), dbSNP rs2062566193, ClinGen allele CA388748482.